The following is an entry in ClinVar:

NM_000165.5(GJA1):c.430A>T (p.Lys144Ter)

Gene: GJA1 (gap junction protein alpha 1; plus strand). Cytogenetic location: 6q22.31.
Variant type: single nucleotide variant.
Coding change: c.430A>T on transcript NM_000165.5 (MANE Select); coding-DNA position 430, A replaced by T.
Protein change: p.Lys144Ter; replaces lysine 144 with a stop codon.
Molecular consequence: nonsense.
Genome position (GRCh38, 1-based): chr6:121,447,277, A>T. VCF-style: chr6-121447277-A-T. GRCh37 (hg19) VCF-style: chr6-121768423-A-T.
Other names: short protein forms K144*.
Identifiers: ClinVar variation 2826075 (VCV002826075.3), dbSNP rs2536821840, ClinGen allele CA365558998.

ClinVar aggregate classification (germline): Uncertain significance (1 of 4 stars; one submission).

Conditions:
Oculodentodigital dysplasia, autosomal recessive. Also called: OCULODENTOOSSEOUS DYSPLASIA, AUTOSOMAL RECESSIVE; ODDD, AUTOSOMAL RECESSIVE; ODOD, AUTOSOMAL RECESSIVE. Identifiers: Orphanet 2710, MedGen C2749477, MONDO:0009768, OMIM 257850.

Submission:

Labcorp Genetics (formerly Invitae), Labcorp
Classification: Uncertain significance for Oculodentodigital dysplasia, autosomal recessive. Last evaluated: 2023-01-03. Review status: criteria provided, single submitter. Criteria: Invitae Variant Classification Sherloc (09022015). Collection method: clinical testing. Allele origin: germline.
Comment: This variant disrupts the C-terminus of the GJA1 protein. Other variant(s) that disrupt this region (p.Arg189Glufs*35) have been observed in individuals with GJA1-related conditions (Invitae). This suggests that this may be a clinically significant region of the protein. Experimental studies and prediction algorithms are not available or were not evaluated, and the functional significance of this variant is currently unknown. This variant has not been reported in the literature in individuals affected with GJA1-related conditions. This variant is not present in population databases (gnomAD no frequency). This sequence change creates a premature translational stop signal (p.Lys144*) in the GJA1 gene. While this is not anticipated to result in nonsense mediated decay, it is expected to disrupt the last 239 amino acid(s) of the GJA1 protein. In summary, the available evidence is currently insufficient to determine the role of this variant in disease. Therefore, it has been classified as a Variant of Uncertain Significance.